The following is an entry in ClinVar:

NC_000009.12:g.35658022_35658023insTCTCAGCTTCACAGAGTAGTAGGT

Gene: RMRP (RNA component of mitochondrial RNA processing endoribonuclease; minus strand). Cytogenetic location: 9p13.3.
Variant type: Insertion.
Genome position: GRCh38 VCF-style: chr9-35658020-C-CGTTCTCAGCTTCACAGAGTAGTAG. GRCh37 (hg19) VCF-style: chr9-35658017-C-CGTTCTCAGCTTCACAGAGTAGTAG.
Identifiers: ClinVar variation 4732627 (VCV004732627.1).

ClinVar aggregate classification (germline): Pathogenic (1 of 4 stars; one submission).

Conditions:
Anauxetic dysplasia. Identifiers: Orphanet 93347, MedGen C1846796, MONDO:0011773.

Submission:

Labcorp Genetics (formerly Invitae), Labcorp
Classification: Pathogenic for Anauxetic dysplasia. Last evaluated: 2025-12-06. Review status: criteria provided, single submitter. Criteria: Invitae Variant Classification Sherloc (09022015). Collection method: clinical testing. Allele origin: germline.
Comment: This variant occurs in the RMRP gene, which encodes an RNA molecule that does not result in a protein product. This variant is not present in population databases (gnomAD no frequency). While this particular variant has not been reported in the literature, it is located in the promoter region between the TATA box and the transcription initiation site, and other insertions and duplications immediately upstream of the coding sequence have been reported in individuals affected with cartilage-hair hypoplasia-anauxetic dysplasia (CHH-AD) spectrum disorders (PMID: 16244706, 11207361, 12107819). While functional studies for this variant have not been reported, experimental analyses using patient derived cells, as well as in vitro transfection studies, have shown that promoter insertions result in silencing of RMRP transcription and reduced expression of the gene product (PMID: 11207361, 16254002). For these reasons, this variant has been classified as Pathogenic.

Literature cited by the submitters: PubMed 16244706; PubMed 11207361; PubMed 12107819; PubMed 16254002.